The following is an entry in ClinVar:

ClinVar aggregate classification (germline): Uncertain significance. Review status: criteria provided, multiple submitters, no conflicts (2 of 4 stars). 2 submissions from 2 submitters: Uncertain significance (2). Last evaluated 2022-06-27.

Conditions:
Inclusion body myopathy with Paget disease of bone and frontotemporal dementia. Also called: Inclusion body myopathy with early-onset Paget disease and frontotemporal dementia. Identifiers: Orphanet 52430, MedGen C1833662, MONDO:0000507.
Frontotemporal dementia and/or amyotrophic lateral sclerosis 6 (FTDALS6). Also called: VCP-Related Amyotrophic Lateral Sclerosis; VCP-Related Amyotrophic Lateral Sclerosis/Frontotemporal Dementia. Identifiers: Orphanet 275872, Orphanet 803, MedGen C5436279, MONDO:0013501, OMIM 613954.

Submissions (2):

Labcorp Genetics (formerly Invitae), Labcorp
Classification: Uncertain significance for Inclusion body myopathy with Paget disease of bone and frontotemporal dementia; Frontotemporal dementia and/or amyotrophic lateral sclerosis 6. Last evaluated: 2022-06-27. Review status: criteria provided, single submitter. Criteria: Invitae Variant Classification Sherloc (09022015). Collection method: clinical testing. Allele origin: germline.
Comment: In summary, the available evidence is currently insufficient to determine the role of this variant in disease. Therefore, it has been classified as a Variant of Uncertain Significance. Advanced modeling of protein sequence and biophysical properties (such as structural, functional, and spatial information, amino acid conservation, physicochemical variation, residue mobility, and thermodynamic stability) performed at Invitae indicates that this missense variant is not expected to disrupt VCP protein function. ClinVar contains an entry for this variant (Variation ID: 594143). This missense change has been observed in individual(s) with clinical features of VCP-related conditions (PMID: 26809617). This variant is not present in population databases (gnomAD no frequency). This sequence change replaces lysine, which is basic and polar, with glutamic acid, which is acidic and polar, at codon 386 of the VCP protein (p.Lys386Glu).

Eurofins Ntd Llc (ga)
Classification: Uncertain significance. Last evaluated: 2017-09-22. Review status: criteria provided, single submitter. Criteria: EGL Classification Definitions 2015. Collection method: clinical testing. Allele origin: germline. Observed: 1 variant allele, 1 heterozygote.

Literature cited by the submitters: PubMed 26809617 (cited by Labcorp Genetics (formerly Invitae), Labcorp and Eurofins Ntd Llc (ga)).

NM_007126.5(VCP):c.1156A>G (p.Lys386Glu)

Gene: VCP (valosin containing protein; minus strand). Cytogenetic location: 9p13.3.
Variant type: single nucleotide variant.
Coding change: c.1156A>G on transcript NM_007126.5 (MANE Select); coding-DNA position 1156, A replaced by G.
Protein change: p.Lys386Glu; replaces lysine 386 with glutamic acid.
Molecular consequence: missense variant.
Genome position (GRCh38, 1-based): chr9:35,061,615, T>C on the plus strand (A>G on the coding strand, the complement: VCP is on the minus strand). VCF-style: chr9-35061615-T-C. GRCh37 (hg19) VCF-style: chr9-35061612-T-C.
Other names: c.1021A>G, p.Lys341Glu (NM_001354927.2, NM_001354928.2); short protein forms K386E, K341E.
Identifiers: ClinVar variation 594143 (VCV000594143.13), dbSNP rs1563977665, ClinGen allele CA373283085.